The following is an entry in ClinVar:

NC_000011.9:g.(?_95550941)_(95551077_?)del

Gene: CEP57 (centrosomal protein 57; plus strand). Cytogenetic location: 11q21.
Variant type: Deletion.
Identifiers: ClinVar variation 1411847 (VCV001411847.4).

ClinVar aggregate classification (germline): Uncertain significance (1 of 4 stars; one submission).

Conditions:
Mosaic variegated aneuploidy syndrome 2 (MVA2). Identifiers: Orphanet 1052, MedGen C3279843, MONDO:0013582, OMIM 614114.

Submission:

Labcorp Genetics (formerly Invitae), Labcorp
Classification: Uncertain significance for Mosaic variegated aneuploidy syndrome 2. Last evaluated: 2021-10-07. Review status: criteria provided, single submitter. Criteria: Invitae Variant Classification Sherloc (09022015). Collection method: clinical testing. Allele origin: germline.
Comment: In summary, the available evidence is currently insufficient to determine the role of this variant in disease. Therefore, it has been classified as a Variant of Uncertain Significance. Experimental studies and prediction algorithms are not available or were not evaluated, and the functional significance of this variant is currently unknown. This variant has not been reported in the literature in individuals affected with CEP57-related conditions. This variant is a gross deletion of the genomic region encompassing exon(s) 5 of the CEP57 gene. This variant would be expected to be in-frame, preserving the integrity of the reading frame.